The following is an entry in ClinVar:

GRCh38/hg38 9p21.1(chr9:28604285-28718397)x1

Genes: LINGO2 (leucine rich repeat and Ig domain containing 2; minus strand), LOC132089673 (Neanderthal introgressed variant-containing enhancer experimental_107568; plus strand). Cytogenetic location: 9p21.1.
Variant type: copy number loss.
Change: copy number 1 (one copy instead of two) of chr9:28,604,285-28,718,397 (114.1 kb, GRCh38 coordinates, 1-based), cytogenetic band 9p21.1.
Identifiers: ClinVar variation 145739 (VCV000145739.1).

ClinVar aggregate classification (germline): Benign/Likely benign (0 of 4 stars; one submission).

Submission:

GeneDx
Classification: Benign/Likely benign. Last evaluated: 2011-04-30. Review status: no assertion criteria provided. Collection method: clinical testing. Allele origin: not provided. Affected: yes. Observed: 4 variant alleles. Clinical features observed: Developmental delay AND/OR other significant developmental or morphological phenotypes.
Comment: Likely benign (1), Benign (3)